The following is an entry in ClinVar:

NM_019098.5(CNGB3):c.882C>G (p.Tyr294Ter)

Gene: CNGB3 (cyclic nucleotide gated channel subunit beta 3; minus strand). Cytogenetic location: 8q21.3.
Variant type: single nucleotide variant.
Coding change: c.882C>G on transcript NM_019098.5 (MANE Select); coding-DNA position 882, C replaced by G.
Protein change: p.Tyr294Ter; replaces tyrosine 294 with a stop codon.
Molecular consequence: nonsense.
Genome position (GRCh38, 1-based): chr8:86,654,033, G>C on the plus strand (C>G on the coding strand, the complement: CNGB3 is on the minus strand). VCF-style: chr8-86654033-G-C. GRCh37 (hg19) VCF-style: chr8-87666261-G-C.
Other names: short protein forms Y294*.
Identifiers: ClinVar variation 427686 (VCV000427686.2), dbSNP rs1554612805, ClinGen allele CA371448436.
Genomic context (GRCh38, chr8:86,654,033, plus strand): 5'-TAGATCACGTGAGCAACTTTGAAATTGTTTGTCACCTACCTGAAATTTTGTAGAAGTCCT[G>C]TAGTGTTTCCTTAGCTCATTTGAATCCACCTGAAAGATATTTGTATTTTCATTAATTTTA-3'

ClinVar aggregate classification (germline): Pathogenic. Review status: criteria provided, single submitter (1 of 4 stars). 2 submissions from 2 submitters: Pathogenic (1). 1 of the submissions does not count toward it. Last evaluated 2025-03-27.

Conditions:
Achromatopsia 3 (ACHM3). Also called: ACHROMATOPSIA WITH MYOPIA; PINGELAPESE BLINDNESS; TOTAL COLORBLINDNESS WITH MYOPIA; ROD MONOCHROMACY 1; ROD MONOCHROMATISM 1. Identifiers: Orphanet 49382, MedGen C1849792, MONDO:0009875, OMIM 262300.

Submissions (2):

Myriad Genetics, Inc.
Classification: Pathogenic for Achromatopsia 3. Last evaluated: 2025-03-27. Review status: criteria provided, single submitter. Criteria: Myriad Autosomal Dominant, Autosomal Recessive and X-Linked Classification Criteria (2023). Collection method: clinical testing. Allele origin: unknown.
Comment: NM_019098.4(CNGB3):c.882C>G(Y294*) is expected to be pathogenic in the context of achromatopsia, CNGB3-related. This variant is predicted to lead to an abnormal or absent protein product due to the creation of a premature termination codon in CNGB3, a gene where loss-of-function variants are known to be pathogenic. Please note: this variant was assessed in the context of healthy population screening.

Molecular Genetics Laboratory, Institute for Ophthalmic Research
Classification: Pathogenic for ACHM3. Last evaluated: 2017-03-27. Review status: no assertion criteria provided. Collection method: research. Allele origin: germline. Affected: yes. Not counted in ClinVar's aggregate classification.

Literature cited by the submitters: PubMed 28795510 (cited by Molecular Genetics Laboratory, Institute for Ophthalmic Research).